The following is an entry in ClinVar:

ClinVar aggregate classification (germline): Uncertain significance (1 of 4 stars; one submission).

Submission:

Labcorp Genetics (formerly Invitae), Labcorp
Classification: Uncertain significance. Last evaluated: 2022-07-15. Review status: criteria provided, single submitter. Criteria: Invitae Variant Classification Sherloc (09022015). Collection method: clinical testing. Allele origin: germline.
Comment: In summary, the available evidence is currently insufficient to determine the role of this variant in disease. Therefore, it has been classified as a Variant of Uncertain Significance. Experimental studies and prediction algorithms are not available or were not evaluated, and the functional significance of this variant is currently unknown. This variant has not been reported in the literature in individuals affected with TUFM-related conditions. This variant is not present in population databases (gnomAD no frequency). This sequence change creates a premature translational stop signal (p.Lys398Glyfs*49) in the TUFM gene. While this is not anticipated to result in nonsense mediated decay, it is expected to disrupt the last 58 amino acid(s) of the TUFM protein.

NM_003321.5(TUFM):c.1191_1192del (p.Lys398fs)

Gene: TUFM (Tu translation elongation factor, mitochondrial; minus strand). Cytogenetic location: 16p11.2.
Variant type: Microsatellite.
Coding change: c.1191_1192del on transcript NM_003321.5 (MANE Select); coding-DNA positions 1191 to 1192, 2 bases deleted (GA; older notation c.1191_1192delGA).
Protein change: p.Lys398fs; shifts the reading frame from lysine 398.
Molecular consequence: frameshift variant.
Genome position (GRCh38, 1-based): chr16:28,843,738-28,843,739, TC deleted on the plus strand (GA on the coding strand, the reverse complement: TUFM is on the minus strand); deleting any 2 consecutive bases within chr16:28,843,738-28,843,742 gives the same sequence; the c. name uses the placement nearest the transcript's 3' end. VCF-style (leftmost placement, unchanged base first): chr16-28843737-TTC-T. GRCh37 (hg19) VCF-style: chr16-28855058-TTC-T.
Other names: c.1107_1108del, p.Lys370fs (NM_001365360.2); short protein forms K370fs, K398fs.
Identifiers: ClinVar variation 2013238 (VCV002013238.4), dbSNP rs1324582190, ClinGen allele CA719722357.
Genomic context (GRCh38, chr16:28,843,737, plus strand): 5'-GAAGCAAAGGTAATATAAAAAGTCCCCCCTCCACCCTACATTCCTCCCACCCACCGTACC[TTC>T]TCTGGGGGCAGGATAATCCGACAGGCCATGTCCCAAGTCAGGGAGAACATGACAGGCATG-3'